The following is an entry in ClinVar:

ClinVar aggregate classification (germline): Uncertain significance (1 of 4 stars; one submission).

gnomAD v4.1: 2 of 1,540,254 alleles (0.00013%); no homozygotes.

Submission:

Labcorp Genetics (formerly Invitae), Labcorp
Classification: Uncertain significance. Last evaluated: 2022-11-24. Review status: criteria provided, single submitter. Criteria: Invitae Variant Classification Sherloc (09022015). Collection method: clinical testing. Allele origin: germline.
Comment: In summary, the available evidence is currently insufficient to determine the role of this variant in disease. Therefore, it has been classified as a Variant of Uncertain Significance. Advanced modeling of protein sequence and biophysical properties (such as structural, functional, and spatial information, amino acid conservation, physicochemical variation, residue mobility, and thermodynamic stability) performed at Invitae indicates that this missense variant is not expected to disrupt CACNA1G protein function. This variant has not been reported in the literature in individuals affected with CACNA1G-related conditions. This variant is not present in population databases (gnomAD no frequency). This sequence change replaces glycine, which is neutral and non-polar, with aspartic acid, which is acidic and polar, at codon 30 of the CACNA1G protein (p.Gly30Asp).

NM_018896.5(CACNA1G):c.89G>A (p.Gly30Asp)

Genes: CACNA1G (calcium voltage-gated channel subunit alpha1 G; plus strand), CACNA1G-AS1 (CACNA1G antisense RNA 1; minus strand). Cytogenetic location: 17q21.33.
Variant type: single nucleotide variant.
Coding change: c.89G>A on transcript NM_018896.5 (MANE Select); coding-DNA position 89, G replaced by A.
Protein change: p.Gly30Asp; replaces glycine 30 with aspartic acid.
Molecular consequence: missense variant. On other transcripts: non-coding transcript variant (5).
Genome position (GRCh38, 1-based): chr17:50,561,548, G>A. VCF-style: chr17-50561548-G-A. GRCh37 (hg19) VCF-style: chr17-48638909-G-A.
Other names: c.89G>A, p.Gly30Asp (NM_001256324.2, NM_001256325.2, NM_001256326.2 and 24 more transcripts); short protein forms G30D.
Identifiers: ClinVar variation 2888122 (VCV002888122.3), dbSNP rs607458, ClinGen allele CA400221640.